The following is an entry in ClinVar:

ClinVar aggregate classification (germline): Uncertain significance. Review status: criteria provided, multiple submitters, no conflicts (2 of 4 stars). 2 submissions from 2 submitters: Uncertain significance (2). Last evaluated 2026-02-09.

gnomAD v4.1: 1 of 1,549,804 alleles (0.000065%); highest among the groups gnomAD compares: African/African-American, 0.0014%; no homozygotes.

Submissions (2):

Women's Health and Genetics/Laboratory Corporation of America, LabCorp
Classification: Uncertain significance. Last evaluated: 2026-02-09. Review status: criteria provided, single submitter. Criteria: LabCorp Variant Classification Summary - May 2015. Collection method: clinical testing. Allele origin: germline.
Comment: Variant summary: CAMK2B c.1012G>C (p.Val338Leu) results in a conservative amino acid change in the encoded protein sequence. Algorithms developed to predict the effect of missense changes on protein structure and function are either unavailable or do not agree on the potential impact of this missense change. The frequency data for this variant in gnomAD is considered unreliable, as metrics indicate poor data quality at this position. To our knowledge, no occurrence of c.1012G>C in individuals affected with CAMK2B-related conditions and no experimental evidence demonstrating its impact on protein function have been reported. ClinVar contains an entry for this variant (Variation ID: 3767463). Based on the evidence outlined above, the variant was classified as uncertain significance.

GeneDx
Classification: Uncertain significance. Last evaluated: 2026-01-17. Review status: criteria provided, single submitter. Criteria: GeneDx Variant Classification Process June 2021. Collection method: clinical testing. Allele origin: germline.
Comment: Not observed at significant frequency in large population cohorts (gnomAD); In silico analysis suggests that this missense variant does not alter protein structure/function; Has not been previously published as pathogenic or benign to our knowledge

NM_001220.5(CAMK2B):c.1012G>C (p.Val338Leu)

Gene: CAMK2B (calcium/calmodulin dependent protein kinase II beta; minus strand). Cytogenetic location: 7p13.
Variant type: single nucleotide variant.
Coding change: c.1012G>C on transcript NM_001220.5 (MANE Select); coding-DNA position 1012, G replaced by C.
Protein change: p.Val338Leu; replaces valine 338 with leucine.
Molecular consequence: missense variant. On other transcripts: intron variant (5).
Genome position (GRCh38, 1-based): chr7:44,239,598, C>G on the plus strand (G>C on the coding strand, the complement: CAMK2B is on the minus strand). VCF-style: chr7-44239598-C-G. GRCh37 (hg19) VCF-style: chr7-44279197-C-G.
Other names: c.1012G>C, p.Val338Leu (NM_001293170.2, NM_172078.3, NM_172082.3); c.946+1109G>C (NM_172084.3, NM_172080.3, NM_172083.3 and 2 more transcripts); short protein forms V338L.
Identifiers: ClinVar variation 3767463 (VCV003767463.3).